The following is an entry in ClinVar:

ClinVar aggregate classification (germline): Uncertain significance (1 of 4 stars; one submission).

Conditions:
Hereditary pancreatitis (PCTT). Also called: Hereditary chronic pancreatitis; PRSS1-Related Hereditary Pancreatitis. Identifiers: Orphanet 676, MedGen C0238339, MONDO:0008185, OMIM 167800.

Allele frequency attached by ClinVar (database versions not stated): TOPMed below 0.00001; gnomAD 0.00001.
gnomAD v4.1: 1 of 1,613,904 alleles (0.000062%); highest among the groups gnomAD compares: Non-Finnish European, 0.000085%; no homozygotes.

Submission:

Ambry Genetics
Classification: Uncertain significance for Hereditary pancreatitis. Last evaluated: 2023-04-18. Review status: criteria provided, single submitter. Criteria: Ambry Variant Classification Scheme 2023. Collection method: clinical testing. Allele origin: germline.
Comment: The p.N42S variant (also known as c.125A>G), located in coding exon 2 of the PRSS1 gene, results from an A to G substitution at nucleotide position 125. The asparagine at codon 42 is replaced by serine, an amino acid with highly similar properties. This alteration has been identified in an individual diagnosed with idiopathic recurrent acute pancreatitis (Pelaez-Luna M et al. World J Gastroenterol, 2014 Sep;20:11788-92). This amino acid position is well conserved in available vertebrate species. In addition, this alteration is predicted to be tolerated by in silico analysis. Since supporting evidence is limited at this time, the clinical significance of this alteration remains unclear.

Literature cited by the submitters: PubMed 25206283.

NM_002769.5(PRSS1):c.125A>G (p.Asn42Ser)

Genes: PRSS1 (serine protease 1; plus strand), TRB (T cell receptor beta locus; plus strand). Cytogenetic location: 7q34.
Variant type: single nucleotide variant.
Coding change: c.125A>G on transcript NM_002769.5 (MANE Select); coding-DNA position 125, A replaced by G.
Protein change: p.Asn42Ser; replaces asparagine 42 with serine.
Molecular consequence: missense variant. On other transcripts: non-coding transcript variant (4).
Genome position (GRCh38, 1-based): chr7:142,750,639, A>G. VCF-style: chr7-142750639-A-G. GRCh37 (hg19) VCF-style: chr7-142458490-A-G.
Other names: short protein forms N42S.
Identifiers: ClinVar variation 2563189 (VCV002563189.2), dbSNP rs1223231582, ClinGen allele CA369607309.